The following is an entry in ClinVar:

ClinVar aggregate classification (germline): Uncertain significance (1 of 4 stars; one submission).

gnomAD v4.1: 1 of 1,609,636 alleles (0.000062%); highest among the groups gnomAD compares: African/African-American, 0.0013%; no homozygotes.

Submission:

Labcorp Genetics (formerly Invitae), Labcorp
Classification: Uncertain significance. Last evaluated: 2022-04-12. Review status: criteria provided, single submitter. Criteria: Invitae Variant Classification Sherloc (09022015). Collection method: clinical testing. Allele origin: germline.
Comment: Variants that disrupt the consensus splice site are a relatively common cause of aberrant splicing (PMID: 17576681, 9536098). Algorithms developed to predict the effect of sequence changes on RNA splicing suggest that this variant is not likely to affect RNA splicing. This sequence change falls in intron 42 of the MYO7A gene. It does not directly change the encoded amino acid sequence of the MYO7A protein. It affects a nucleotide within the consensus splice site. This variant is not present in population databases (gnomAD no frequency). This variant has not been reported in the literature in individuals affected with MYO7A-related conditions. In summary, the available evidence is currently insufficient to determine the role of this variant in disease. Therefore, it has been classified as a Variant of Uncertain Significance.

Literature cited by the submitters: PubMed 17576681; PubMed 9536098.

NM_000260.4(MYO7A):c.5857-3C>T

Gene: MYO7A (myosin VIIA; plus strand). Cytogenetic location: 11q13.5.
Variant type: single nucleotide variant.
Coding change: c.5857-3C>T on transcript NM_000260.4 (MANE Select); 3 bases into the intron before coding-DNA position 5857, C replaced by T.
Molecular consequence: intron variant.
Genome position (GRCh38, 1-based): chr11:77,208,427, C>T. VCF-style: chr11-77208427-C-T. GRCh37 (hg19) VCF-style: chr11-76919472-C-T.
Other names: c.5710-3C>T (NM_001369365.1); c.5743-3C>T (NM_001127180.2).
Identifiers: ClinVar variation 2125282 (VCV002125282.4), dbSNP rs727505114, ClinGen allele CA2580084982.